The following is an entry in ClinVar:

NM_001005242.3(PKP2):c.964G>C (p.Gly322Arg)

Gene: PKP2 (plakophilin 2; minus strand). Cytogenetic location: 12p11.21.
Variant type: single nucleotide variant.
Coding change: c.964G>C on transcript NM_001005242.3 (MANE Select); coding-DNA position 964, G replaced by C.
Protein change: p.Gly322Arg; replaces glycine 322 with arginine.
Molecular consequence: missense variant.
Genome position (GRCh38, 1-based): chr12:32,877,916, C>G on the plus strand (G>C on the coding strand, the complement: PKP2 is on the minus strand). VCF-style: chr12-32877916-C-G. GRCh37 (hg19) VCF-style: chr12-33030850-C-G.
Other names: c.964G>C, p.Gly322Arg (NM_004572.4, NM_001407155.1, NM_001407156.1 and 2 more transcripts); c.637G>C, p.Gly213Arg (NM_001407158.1, NM_001407159.1, NM_001407160.1 and 1 more transcripts); short protein forms G322R, G213R.
Identifiers: ClinVar variation 2988328 (VCV002988328.4), dbSNP rs200069860, ClinGen allele CA384361907.

ClinVar aggregate classification (germline): Uncertain significance. Review status: criteria provided, multiple submitters, no conflicts (2 of 4 stars). 2 submissions from 2 submitters: Uncertain significance (2). Last evaluated 2025-01-22.

Conditions:
Arrhythmogenic right ventricular cardiomyopathy (ARVD). Also called: Arrhythmogenic right ventricular dysplasia; Cardiomyopathy, ARVC; Arrhythmogenic cardiomyopathy; Arrhythmogenic Right Ventricular Cardiomyopathy (ARVC). Identifiers: Orphanet 247, MedGen C0349788, MeSH D019571, MONDO:0016587. Disease mechanism: loss of function. Inheritance: Various modes of inheritance.
Arrhythmogenic right ventricular dysplasia 9 (ARVD9). Also called: ARRHYTHMOGENIC RIGHT VENTRICULAR DYSPLASIA, FAMILIAL, 9; Arrhythmogenic Right Ventricular Dysplasia/Cardiomyopathy 9. Identifiers: MedGen C1836906, MONDO:0012180, OMIM 609040.

Submissions (2):

Labcorp Genetics (formerly Invitae), Labcorp
Classification: Uncertain significance for Arrhythmogenic right ventricular dysplasia 9. Last evaluated: 2025-01-22. Review status: criteria provided, single submitter. Criteria: Invitae Variant Classification Sherloc (09022015). Collection method: clinical testing. Allele origin: germline.
Comment: This sequence change replaces glycine, which is neutral and non-polar, with arginine, which is basic and polar, at codon 322 of the PKP2 protein (p.Gly322Arg). This variant is not present in population databases (gnomAD no frequency). This variant has not been reported in the literature in individuals affected with PKP2-related conditions. ClinVar contains an entry for this variant (Variation ID: 2988328). An algorithm developed to predict the effect of missense changes on protein structure and function (PolyPhen-2) suggests that this variant is likely to be disruptive. In summary, the available evidence is currently insufficient to determine the role of this variant in disease. Therefore, it has been classified as a Variant of Uncertain Significance.

All of Us Research Program, National Institutes of Health
Classification: Uncertain significance for Arrhythmogenic right ventricular cardiomyopathy. Last evaluated: 2024-05-09. Review status: criteria provided, single submitter. Criteria: ACMG Guidelines, 2015. Collection method: clinical testing. Allele origin: germline. Inheritance: Autosomal dominant inheritance. Observed: 1 variant allele, 1 heterozygote.
Comment: This study involves interpretation of variants in research participants for the purpose of population health screening. Participant phenotype was not available at the time of variant classification. Additional details can be found in publication PMID: 35346344, PMCID: PMC8962531